The following is an entry in ClinVar:

NM_000540.3(RYR1):c.376A>G (p.Met126Val)

Gene: RYR1 (ryanodine receptor 1; plus strand). Cytogenetic location: 19q13.2.
Variant type: single nucleotide variant.
Coding change: c.376A>G on transcript NM_000540.3 (MANE Select); coding-DNA position 376, A replaced by G.
Protein change: p.Met126Val; replaces methionine 126 with valine.
Molecular consequence: missense variant.
Genome position (GRCh38, 1-based): chr19:38,443,748, A>G. VCF-style: chr19-38443748-A-G. GRCh37 (hg19) VCF-style: chr19-38934388-A-G.
Other names: c.376A>G, p.Met126Val (NM_001042723.2); short protein forms M126V.
Identifiers: ClinVar variation 224363 (VCV000224363.3), dbSNP rs146065960, ClinGen allele CA065174.

ClinVar aggregate classification (germline): Uncertain significance. Review status: criteria provided, multiple submitters, no conflicts (2 of 4 stars). 2 submissions from 2 submitters: Uncertain significance (2). Last evaluated 2024-10-22.

Conditions:
RYR1-related disorder. Also called: RYR1-related disorders; RYR1-related condition. Identifiers: MedGen CN239331.
Malignant hyperthermia, susceptibility to, 1 (MHS1). Also called: Malignant hyperthermia suceptibility 1; RYR1-Related Malignant Hyperthermia Susceptibility; Anesthesia related hyperthermia; Malignant hyperpyrexia; Fulminating hyperpyrexia; Pharmacogenic myopathy. Identifiers: Orphanet 423, MedGen C2930980, MONDO:0007783, OMIM 145600.

Allele frequency attached by ClinVar (database versions not stated): gnomAD 0.00001 and 0.00002; gnomAD exomes 0.00001; TOPMed 0.00001; ExAC 0.00002; ESP Exome Variant Server 0.00008.

Submissions (2):

Labcorp Genetics (formerly Invitae), Labcorp
Classification: Uncertain significance for RYR1-related disorder. Last evaluated: 2024-10-22. Review status: criteria provided, single submitter. Criteria: Invitae Variant Classification Sherloc (09022015). Collection method: clinical testing. Allele origin: germline.
Comment: This sequence change replaces methionine, which is neutral and non-polar, with valine, which is neutral and non-polar, at codon 126 of the RYR1 protein (p.Met126Val). This variant is present in population databases (rs146065960, gnomAD 0.003%). This variant has not been reported in the literature in individuals affected with RYR1-related conditions. ClinVar contains an entry for this variant (Variation ID: 224363). Invitae Evidence Modeling of protein sequence and biophysical properties (such as structural, functional, and spatial information, amino acid conservation, physicochemical variation, residue mobility, and thermodynamic stability) indicates that this missense variant is not expected to disrupt RYR1 protein function with a negative predictive value of 95%. In summary, the available evidence is currently insufficient to determine the role of this variant in disease. Therefore, it has been classified as a Variant of Uncertain Significance.

Biesecker Lab/Clinical Genomics Section, National Institutes of Health
Classification: Uncertain significance for Malignant hyperthermia, susceptibility to, 1. Last evaluated: 2013-07-01. Review status: criteria provided, single submitter. Criteria: Gonsalves et al. 2013. Collection method: research. Allele origin: unknown. Observed: 1 variant allele. Study: ClinSeq.
Comment: The study set was not selected for affection status in relation to any myopathy. Pathogenicity categories were based on literature curation. See Pubmed ID: 24195946 for details.